The following is an entry in ClinVar:

ClinVar aggregate classification (germline): Uncertain significance (1 of 4 stars; one submission).

Conditions:
Inborn genetic diseases. Identifiers: MedGen C0950123, MeSH D030342.

gnomAD v4.1: 1 of 1,613,974 alleles (0.000062%); highest among the groups gnomAD compares: Non-Finnish European, 0.000085%; no homozygotes.

Submission:

Ambry Genetics
Classification: Uncertain significance for Inborn genetic diseases. Last evaluated: 2024-04-12. Review status: criteria provided, single submitter. Criteria: Ambry Variant Classification Scheme 2023. Collection method: clinical testing. Allele origin: germline.
Comment: The p.P603S variant (also known as c.1807C>T), located in coding exon 12 of the LTBP3 gene, results from a C to T substitution at nucleotide position 1807. The proline at codon 603 is replaced by serine, an amino acid with similar properties. This amino acid position is conserved. In addition, this alteration is predicted to be tolerated by in silico analysis. Based on the available evidence, the clinical significance of this variant remains unclear.

NM_001130144.3(LTBP3):c.1807C>T (p.Pro603Ser)

Gene: LTBP3 (latent transforming growth factor beta binding protein 3; minus strand). Cytogenetic location: 11q13.1.
Variant type: single nucleotide variant.
Coding change: c.1807C>T on transcript NM_001130144.3 (MANE Select); coding-DNA position 1807, C replaced by T.
Protein change: p.Pro603Ser; replaces proline 603 with serine.
Molecular consequence: missense variant.
Genome position (GRCh38, 1-based): chr11:65,547,959, G>A on the plus strand (C>T on the coding strand, the complement: LTBP3 is on the minus strand). VCF-style: chr11-65547959-G-A. GRCh37 (hg19) VCF-style: chr11-65315430-G-A.
Other names: c.1456C>T, p.Pro486Ser (NM_001164266.1); c.1807C>T, p.Pro603Ser (NM_021070.4); short protein forms P486S, P603S.
Identifiers: ClinVar variation 3292244 (VCV003292244.1).